The following is an entry in ClinVar:

ClinVar aggregate classification (germline): Uncertain significance. Review status: criteria provided, multiple submitters, no conflicts (2 of 4 stars). 2 submissions from 2 submitters: Uncertain significance (2). Last evaluated 2024-03-20.

Conditions:
Polycystic liver disease 2 (PCLD2). Also called: Polycystic liver disease 2 with or without kidney cysts. Identifiers: Orphanet 2924, MedGen C4310769, MONDO:0014860, OMIM 617004.

Allele frequency attached by ClinVar (database versions not stated): gnomAD exomes below 0.00001; gnomAD 0.00001.
gnomAD v4.1: 2 of 1,612,426 alleles (0.00012%); highest among the groups gnomAD compares: Admixed American, 0.0017%; no homozygotes.

Submissions (2):

Fulgent Genetics
Classification: Uncertain significance for Polycystic liver disease 2. Last evaluated: 2024-03-20. Review status: criteria provided, single submitter. Criteria: ACMG Guidelines, 2015. Collection method: clinical testing. Allele origin: germline.

GeneDx
Classification: Uncertain significance. Last evaluated: 2022-06-02. Review status: criteria provided, single submitter. Criteria: GeneDx Variant Classification Process June 2021. Collection method: clinical testing. Allele origin: germline. Affected: yes.
Comment: Not observed at significant frequency in large population cohorts (gnomAD); In silico analysis supports that this missense variant has a deleterious effect on protein structure/function; Has not been previously published as pathogenic or benign to our knowledge

NM_007214.5(SEC63):c.1711G>C (p.Asp571His)

Gene: SEC63 (SEC63 homolog, protein translocation regulator; minus strand). Cytogenetic location: 6q21.
Variant type: single nucleotide variant.
Coding change: c.1711G>C on transcript NM_007214.5 (MANE Select); coding-DNA position 1711, G replaced by C.
Protein change: p.Asp571His; replaces aspartic acid 571 with histidine.
Molecular consequence: missense variant.
Genome position (GRCh38, 1-based): chr6:107,883,110, C>G on the plus strand (G>C on the coding strand, the complement: SEC63 is on the minus strand). VCF-style: chr6-107883110-C-G. GRCh37 (hg19) VCF-style: chr6-108204314-C-G.
Other names: short protein forms D571H.
Identifiers: ClinVar variation 1802051 (VCV001802051.2), dbSNP rs1372461689, ClinGen allele CA365330754.
Genomic context (GRCh38, chr6:107,883,110, plus strand): 5'-CATCTTTCTCACTTTGGGAATCTCTATTGGTTTCTTCTTCTTCAGAATCACTGCCCTTAT[C>G]TGAAACTTCTTCTTCATCTTCCTTTACTGCAGCTTCCTAAAAGGGAAAGGCAAACACAAA-3'
Protein context (NP_009145.1, residues 561-581): AVKEDEEEVS[Asp571His]KGSDSEEEET